The following is an entry in ClinVar:

NM_005632.3(CAPN15):c.2805C>T (p.Tyr935=)

Gene: CAPN15 (calpain 15; plus strand). Cytogenetic location: 16p13.3.
Variant type: single nucleotide variant.
Coding change: c.2805C>T on transcript NM_005632.3 (MANE Select); coding-DNA position 2805, C replaced by T.
Protein change: p.Tyr935=; no amino-acid change (tyrosine 935 retained).
Molecular consequence: synonymous variant.
Genome position (GRCh38, 1-based): chr16:552,672, C>T. VCF-style: chr16-552672-C-T. GRCh37 (hg19) VCF-style: chr16-602672-C-T.
Identifiers: ClinVar variation 3060699 (VCV003060699.2), dbSNP rs79942802, ClinGen allele CA7778945.

ClinVar aggregate classification (germline): Benign (0 of 4 stars; one submission).

Conditions:
CAPN15-related disorder. Also called: CAPN15-related condition.

Allele frequency attached by ClinVar (database versions not stated): ESP Exome Variant Server 0.00053; gnomAD exomes 0.00531; ExAC 0.00584; gnomAD 0.01159; TOPMed 0.01668; 1000 Genomes Project 0.02975; 1000 Genomes Project 30x 0.03123.
gnomAD v4.1: 9,336 of 1,543,728 alleles (0.6%); highest among the groups gnomAD compares: Admixed American, 9.2%; 394 homozygotes.

Submission:

PreventionGenetics, part of Exact Sciences
Classification: Benign for CAPN15-related condition. Last evaluated: 2019-09-17. Review status: no assertion criteria provided. Collection method: clinical testing. Allele origin: germline.
Comment: This variant is classified as benign based on ACMG/AMP sequence variant interpretation guidelines (Richards et al. 2015 PMID: 25741868, with internal and published modifications).